The following is an entry in ClinVar:

NM_020442.6(VARS2):c.451T>C (p.Ser151Pro)

Gene: VARS2 (valyl-tRNA synthetase 2, mitochondrial; plus strand). Cytogenetic location: 6p21.33.
Variant type: single nucleotide variant.
Coding change: c.451T>C on transcript NM_020442.6 (MANE Select); coding-DNA position 451, T replaced by C.
Protein change: p.Ser151Pro; replaces serine 151 with proline.
Molecular consequence: missense variant.
Genome position (GRCh38, 1-based): chr6:30,915,812, T>C. VCF-style: chr6-30915812-T-C. GRCh37 (hg19) VCF-style: chr6-30883589-T-C.
Other names: c.31T>C, p.Ser11Pro (NM_001167733.3); c.541T>C, p.Ser181Pro (NM_001167734.2); short protein forms S11P, S151P, S181P.
Identifiers: ClinVar variation 1327327 (VCV001327327.12), dbSNP rs150863068, ClinGen allele CA3705593.

ClinVar aggregate classification (germline): Conflicting classifications of pathogenicity. Review status: criteria provided, conflicting classifications (1 of 4 stars). 4 submissions from 4 submitters: Uncertain significance (2); Likely benign (2). Last evaluated 2025-08-24.

Conditions:
VARS2-related disorder. Also called: VARS2-related condition; VARS2-related disorders.

Allele frequency attached by ClinVar (database versions not stated): gnomAD exomes 0.00010 and 0.00020; ExAC 0.00029; gnomAD 0.00097 and 0.00103; TOPMed 0.00103; ESP Exome Variant Server 0.00154; 1000 Genomes Project 0.00160; 1000 Genomes Project 30x 0.00187.
gnomAD v4.1: 294 of 1,614,068 alleles (0.018%); highest among the groups gnomAD compares: African/African-American, 0.37%; no homozygotes.

Submissions (4):

Labcorp Genetics (formerly Invitae), Labcorp
Classification: Likely benign. Last evaluated: 2025-08-24. Review status: criteria provided, single submitter. Criteria: Invitae Variant Classification Sherloc (09022015). Collection method: clinical testing. Allele origin: germline.

PreventionGenetics, part of Exact Sciences
Classification: Likely benign for VARS2-related condition. Last evaluated: 2024-11-21. Review status: criteria provided, single submitter. Criteria: ACMG Guidelines, 2015. Collection method: clinical testing. Allele origin: germline.
Comment: This variant is classified as likely benign based on ACMG/AMP sequence variant interpretation guidelines (Richards et al. 2015 PMID: 25741868, with internal and published modifications).

GeneDx
Classification: Uncertain significance. Last evaluated: 2024-10-30. Review status: criteria provided, single submitter. Criteria: GeneDx Variant Classification Process June 2021. Collection method: clinical testing. Allele origin: germline. Affected: yes.
Comment: In silico analysis supports that this missense variant has a deleterious effect on protein structure/function; Has not been previously published as pathogenic or benign to our knowledge

Blueprint Genetics
Classification: Uncertain significance. Last evaluated: 2024-09-13. Review status: criteria provided, single submitter. Criteria: ACMG Guidelines, 2015. Collection method: clinical testing. Allele origin: germline.